The following is an entry in ClinVar:

ClinVar aggregate classification (germline): Uncertain significance (1 of 4 stars; one submission).

Conditions:
Emery-Dreifuss muscular dystrophy 5, autosomal dominant (EDMD5). Also called: EMERY-DREIFUSS MUSCULAR DYSTROPHY 5. Identifiers: Orphanet 261, MedGen C2751805, MONDO:0013072, OMIM 612999.

gnomAD v4.1: 2 of 1,614,128 alleles (0.00012%); highest among the groups gnomAD compares: Non-Finnish European, 0.00017%; no homozygotes.

Submission:

Labcorp Genetics (formerly Invitae), Labcorp
Classification: Uncertain significance for Emery-Dreifuss muscular dystrophy 5, autosomal dominant. Last evaluated: 2024-11-25. Review status: criteria provided, single submitter. Criteria: Invitae Variant Classification Sherloc (09022015). Collection method: clinical testing. Allele origin: germline.
Comment: This sequence change replaces histidine, which is basic and polar, with arginine, which is basic and polar, at codon 2051 of the SYNE2 protein (p.His2051Arg). This variant is not present in population databases (gnomAD no frequency). This variant has not been reported in the literature in individuals affected with SYNE2-related conditions. An algorithm developed to predict the effect of missense changes on protein structure and function outputs the following: PolyPhen-2: "Benign". The arginine amino acid residue is found in multiple mammalian species, which suggests that this missense change does not adversely affect protein function. In summary, the available evidence is currently insufficient to determine the role of this variant in disease. Therefore, it has been classified as a Variant of Uncertain Significance.

NM_182914.3(SYNE2):c.6152A>G (p.His2051Arg)

Gene: SYNE2 (spectrin repeat containing nuclear envelope protein 2; plus strand). Cytogenetic location: 14q23.2.
Variant type: single nucleotide variant.
Coding change: c.6152A>G on transcript NM_182914.3 (MANE Select); coding-DNA position 6152, A replaced by G.
Protein change: p.His2051Arg; replaces histidine 2051 with arginine.
Molecular consequence: missense variant.
Genome position (GRCh38, 1-based): chr14:64,025,321, A>G. VCF-style: chr14-64025321-A-G. GRCh37 (hg19) VCF-style: chr14-64492039-A-G.
Other names: c.6152A>G, p.His2051Arg (NM_015180.6); short protein forms H2051R.
Identifiers: ClinVar variation 3603963 (VCV003603963.2).
Genomic context (GRCh38, chr14:64,025,321, plus strand): 5'-AAATCGAGGAAGAGGATAAGTTACTACCCACAGAGGACCAGAGCTTTAATGATCTTGCAC[A>G]TGATGTAATTCATTGGATAAAAGAGATTAAAGAGTCCCTTATGGTTTTGAATTCATCCGA-3'
Protein context (NP_878918.2, residues 2041-2061): TEDQSFNDLA[His2051Arg]DVIHWIKEIK